The following is an entry in ClinVar:

NM_016038.4(SBDS):c.469G>C (p.Val157Leu)

Gene: SBDS (SBDS ribosome maturation factor; minus strand). Cytogenetic location: 7q11.21.
Variant type: single nucleotide variant.
Coding change: c.469G>C on transcript NM_016038.4 (MANE Select); coding-DNA position 469, G replaced by C.
Protein change: p.Val157Leu; replaces valine 157 with leucine.
Molecular consequence: missense variant.
Genome position (GRCh38, 1-based): chr7:66,991,292, C>G on the plus strand (G>C on the coding strand, the complement: SBDS is on the minus strand). VCF-style: chr7-66991292-C-G. GRCh37 (hg19) VCF-style: chr7-66456279-C-G.
Other names: short protein forms V157L.
Identifiers: ClinVar variation 4159832 (VCV004159832.1).

ClinVar aggregate classification (germline): Uncertain significance (1 of 4 stars; one submission).

Conditions:
Inborn genetic diseases. Identifiers: MedGen C0950123, MeSH D030342.

Submission:

Ambry Genetics
Classification: Uncertain significance for Inborn genetic diseases. Last evaluated: 2025-09-02. Review status: criteria provided, single submitter. Criteria: Ambry Variant Classification Scheme 2023. Collection method: clinical testing. Allele origin: germline.
Comment: The p.V157L variant (also known as c.469G>C), located in coding exon 4 of the SBDS gene, results from a G to C substitution at nucleotide position 469. The valine at codon 157 is replaced by leucine, an amino acid with highly similar properties. This amino acid position is conserved. In addition, this alteration is predicted to be deleterious by in silico analysis. Based on the available evidence, the clinical significance of this variant remains unclear.